The following is an entry in ClinVar:

ClinVar aggregate classification (germline): Uncertain significance (1 of 4 stars; one submission).

Conditions:
Catecholaminergic polymorphic ventricular tachycardia 1. Also called: VENTRICULAR TACHYCARDIA, STRESS-INDUCED POLYMORPHIC 1; RYR2-Related Catecholaminergic Polymorphic Ventricular Tachycardia; VENTRICULAR TACHYCARDIA, CATECHOLAMINERGIC POLYMORPHIC, 1, WITH OR WITHOUT ATRIAL DYSFUNCTION AND/OR DILATED CARDIOMYOPATHY. Identifiers: Orphanet 3286, MedGen C1631597, MONDO:0011484, OMIM 604772.

Submission:

Labcorp Genetics (formerly Invitae), Labcorp
Classification: Uncertain significance for Catecholaminergic polymorphic ventricular tachycardia 1. Last evaluated: 2025-09-23. Review status: criteria provided, single submitter. Criteria: Invitae Variant Classification Sherloc (09022015). Collection method: clinical testing. Allele origin: germline.
Comment: This sequence change replaces histidine, which is basic and polar, with arginine, which is basic and polar, at codon 593 of the RYR2 protein (p.His593Arg). This variant is not present in population databases (gnomAD no frequency). This variant has not been reported in the literature in individuals affected with RYR2-related conditions. Invitae Evidence Modeling of protein sequence and biophysical properties (such as structural, functional, and spatial information, amino acid conservation, physicochemical variation, residue mobility, and thermodynamic stability) indicates that this missense variant is expected to disrupt RYR2 protein function with a positive predictive value of 95%. In summary, the available evidence is currently insufficient to determine the role of this variant in disease. Therefore, it has been classified as a Variant of Uncertain Significance.

NM_001035.3(RYR2):c.1778A>G (p.His593Arg)

Gene: RYR2 (ryanodine receptor 2; plus strand). Cytogenetic location: 1q43.
Variant type: single nucleotide variant.
Coding change: c.1778A>G on transcript NM_001035.3 (MANE Select); coding-DNA position 1778, A replaced by G.
Protein change: p.His593Arg; replaces histidine 593 with arginine.
Molecular consequence: missense variant.
Genome position (GRCh38, 1-based): chr1:237,491,875, A>G. VCF-style: chr1-237491875-A-G. GRCh37 (hg19) VCF-style: chr1-237655175-A-G.
Other names: short protein forms H593R.
Identifiers: ClinVar variation 4800055 (VCV004800055.1).